The following is an entry in ClinVar:

ClinVar aggregate classification (germline): Pathogenic/Likely pathogenic. Review status: criteria provided, multiple submitters, no conflicts (2 of 4 stars). 4 submissions from 4 submitters: Pathogenic (2); Likely pathogenic (2). Last evaluated 2024-03-04.

Conditions:
FANCA-related disorder. Also called: FANCA-related condition.
Fanconi anemia (FA). Also called: Fanconi's anemia. Identifiers: Orphanet 84, MedGen C0015625, MeSH D005199, MONDO:0019391.
Fanconi anemia complementation group A (FANCA). Also called: Fanconi anemia, group A; FANCA-Related Fanconi Anemia. Identifiers: Orphanet 84, MedGen C3469521, MONDO:0009215, OMIM 227650.

Allele frequency attached by ClinVar (database versions not stated): gnomAD exomes below 0.00001; TOPMed 0.00001.
gnomAD v4.1: 3 of 1,614,158 alleles (0.00019%); highest among the groups gnomAD compares: Non-Finnish European, 0.00017%; no homozygotes.

Submissions (4):

Baylor Genetics
Classification: Likely pathogenic for Fanconi anemia complementation group A. Last evaluated: 2024-03-04. Review status: criteria provided, single submitter. Criteria: ACMG Guidelines, 2015. Collection method: clinical testing. Allele origin: unknown.

Labcorp Genetics (formerly Invitae), Labcorp
Classification: Pathogenic for Fanconi anemia. Last evaluated: 2023-11-27. Review status: criteria provided, single submitter. Criteria: Invitae Variant Classification Sherloc (09022015). Collection method: clinical testing. Allele origin: germline.
Comment: This sequence change creates a premature translational stop signal (p.Gln1366*) in the FANCA gene. It is expected to result in an absent or disrupted protein product. Loss-of-function variants in FANCA are known to be pathogenic (PMID: 19367192). This variant is present in population databases (no rsID available, gnomAD 0.004%). This variant has not been reported in the literature in individuals affected with FANCA-related conditions. ClinVar contains an entry for this variant (Variation ID: 1338313). Algorithms developed to predict the effect of sequence changes on RNA splicing suggest that this variant may disrupt the consensus splice site. For these reasons, this variant has been classified as Pathogenic.

PreventionGenetics, part of Exact Sciences
Classification: Likely pathogenic for FANCA-related condition. Last evaluated: 2023-08-15. Review status: criteria provided, single submitter. Criteria: ACMG Guidelines, 2015. Collection method: clinical testing. Allele origin: germline.
Comment: The FANCA c.4096C>T variant is predicted to result in premature protein termination (p.Gln1366*). This variant has been reported in an individual with lung cancer (Peng et al. 2022. PubMed ID: 35273153. Supplementary data 1). This variant is reported in 0.0046% of alleles in individuals of European (Finnish) descent in gnomAD. Nonsense variants in FANCA are expected to be pathogenic. This variant is interpreted as likely pathogenic.

Genetic Services Laboratory, University of Chicago
Classification: Pathogenic. Last evaluated: 2017-09-29. Review status: criteria provided, single submitter. Criteria: ACMG Guidelines, 2015. Collection method: clinical testing. Allele origin: germline. Affected: yes.

Literature cited by the submitters: PubMed 19367192 (cited by Labcorp Genetics (formerly Invitae), Labcorp).

NM_000135.4(FANCA):c.4096C>T (p.Gln1366Ter)

Genes: FANCA (FA complementation group A; minus strand), ZNF276 (zinc finger protein 276; plus strand). Cytogenetic location: 16q24.3.
Variant type: single nucleotide variant.
Coding change: c.4096C>T on transcript NM_000135.4 (MANE Select); coding-DNA position 4096, C replaced by T.
Protein change: p.Gln1366Ter; replaces glutamine 1366 with a stop codon.
Molecular consequence: nonsense. On other transcripts: 3 prime UTR variant (2), non-coding transcript variant (4).
Genome position (GRCh38, 1-based): chr16:89,739,204, G>A on the plus strand (C>T on the coding strand, the complement: FANCA is on the minus strand). VCF-style: chr16-89739204-G-A. GRCh37 (hg19) VCF-style: chr16-89805612-G-A.
Other names: c.4096C>T, p.Gln1366Ter (NM_001286167.3); c.*958G>A (NM_001113525.2, NM_152287.4); short protein forms Q1366*.
Identifiers: ClinVar variation 1338313 (VCV001338313.9), dbSNP rs1336834251, ClinGen allele CA397484423.